The following is an entry in ClinVar:

NM_001003694.2(BRPF1):c.599+5G>T

Gene: BRPF1 (bromodomain and PHD finger containing 1; plus strand). Cytogenetic location: 3p25.3.
Variant type: single nucleotide variant.
Coding change: c.599+5G>T on transcript NM_001003694.2 (MANE Select); 5 bases into the intron after coding-DNA position 599, G replaced by T.
Molecular consequence: intron variant.
Genome position (GRCh38, 1-based): chr3:9,734,744, G>T. VCF-style: chr3-9734744-G-T. GRCh37 (hg19) VCF-style: chr3-9776428-G-T.
Other names: c.599+5G>T (NM_001410704.1, NM_004634.3, NM_001319049.2 and 1 more transcripts).
Identifiers: ClinVar variation 2579422 (VCV002579422.1), dbSNP rs1276817235, ClinGen allele CA2580617900.
Genomic context (GRCh38, chr3:9,734,744, plus strand): 5'-CGGGAGCTGGAACAGGACACCCCTGATGCCCCACCCCGGCCAACTTCCTATTACCGGTAA[G>T]GCCACCTCTACCTTGCAGCTCTGGAAAACTGGTCAAGCAGGGCTCACTAGCCAGAGAGAG-3'

ClinVar aggregate classification (germline): Uncertain significance (1 of 4 stars; one submission).

Submission:

GeneDx
Classification: Uncertain significance. Last evaluated: 2023-03-06. Review status: criteria provided, single submitter. Criteria: GeneDx Variant Classification Process June 2021. Collection method: clinical testing. Allele origin: germline. Affected: yes.
Comment: Not observed at significant frequency in large population cohorts (gnomAD); In silico analysis suggests this variant may impact gene splicing. In the absence of RNA/functional studies, the actual effect of this sequence change is unknown.; Has not been previously published as pathogenic or benign to our knowledge